The following is an entry in ClinVar:

NM_014003.4(DHX38):c.2407G>A (p.Val803Ile)

Gene: DHX38 (DEAH-box helicase 38; plus strand). Cytogenetic location: 16q22.2.
Variant type: single nucleotide variant.
Coding change: c.2407G>A on transcript NM_014003.4 (MANE Select); coding-DNA position 2407, G replaced by A.
Protein change: p.Val803Ile; replaces valine 803 with isoleucine.
Molecular consequence: missense variant.
Genome position (GRCh38, 1-based): chr16:72,105,544, G>A. VCF-style: chr16-72105544-G-A. GRCh37 (hg19) VCF-style: chr16-72139443-G-A.
Other names: short protein forms V803I.
Identifiers: ClinVar variation 1475752 (VCV001475752.4), dbSNP rs756084518, ClinGen allele CA8160649.

ClinVar aggregate classification (germline): Uncertain significance (1 of 4 stars; one submission).

Allele frequency attached by ClinVar (database versions not stated): gnomAD 0.00001 and 0.00002; ExAC 0.00002; gnomAD exomes 0.00002; TOPMed 0.00002.

Submission:

Labcorp Genetics (formerly Invitae), Labcorp
Classification: Uncertain significance. Last evaluated: 2023-07-17. Review status: criteria provided, single submitter. Criteria: Invitae Variant Classification Sherloc (09022015). Collection method: clinical testing. Allele origin: germline.
Comment: This sequence change replaces valine, which is neutral and non-polar, with isoleucine, which is neutral and non-polar, at codon 803 of the DHX38 protein (p.Val803Ile). This variant is present in population databases (rs756084518, gnomAD 0.003%). This variant has not been reported in the literature in individuals affected with DHX38-related conditions. ClinVar contains an entry for this variant (Variation ID: 1475752). Advanced modeling of protein sequence and biophysical properties (such as structural, functional, and spatial information, amino acid conservation, physicochemical variation, residue mobility, and thermodynamic stability) performed at Invitae indicates that this missense variant is not expected to disrupt DHX38 protein function. In summary, the available evidence is currently insufficient to determine the role of this variant in disease. Therefore, it has been classified as a Variant of Uncertain Significance.